The following is an entry in ClinVar:

ClinVar aggregate classification (germline): Pathogenic (1 of 4 stars; one submission).

Submission:

GeneDx
Classification: Pathogenic. Last evaluated: 2026-02-19. Review status: criteria provided, single submitter. Criteria: GeneDx Variant Classification Process June 2021. Collection method: clinical testing. Allele origin: germline.
Comment: Frameshift variant predicted to result in protein truncation or nonsense mediated decay in a gene for which loss of function is a known mechanism of disease; Not observed at significant frequency in large population cohorts (gnomAD); This variant is associated with the following publications: (PMID: 31133047)

NM_032578.4(MYPN):c.2304del (p.Ser769fs)

Gene: MYPN (myopalladin; plus strand). Cytogenetic location: 10q21.3.
Variant type: Deletion.
Coding change: c.2304del on transcript NM_032578.4 (MANE Select); coding-DNA position 2304, one base deleted (C; older notation c.2304delC).
Protein change: p.Ser769fs; shifts the reading frame from serine 769.
Molecular consequence: frameshift variant. On other transcripts: non-coding transcript variant (2).
Genome position (GRCh38, 1-based): chr10:68,174,396, C deleted; the last of 4 consecutive C bases (chr10:68,174,393-68,174,396); deleting any one gives the same sequence. VCF-style (leftmost placement, unchanged base first): chr10-68174392-AC-A. GRCh37 (hg19) VCF-style: chr10-69934149-AC-A.
Other names: c.2304del, p.Ser769fs (NM_001256267.2); c.1422del, p.Ser475fs (NM_001256268.2); c.2304delC, p.Ser769Leufs (NM_032578.3); short protein forms S475fs, S769fs.
Identifiers: ClinVar variation 4887935 (VCV004887935.1).